The following is an entry in ClinVar:

NM_000122.2(ERCC3):c.143A>G (p.Glu48Gly)

Gene: ERCC3 (ERCC excision repair 3, TFIIH core complex helicase subunit; minus strand). Cytogenetic location: 2q14.3.
Variant type: single nucleotide variant.
Coding change: c.143A>G on transcript NM_000122.2 (MANE Select); coding-DNA position 143, A replaced by G.
Protein change: p.Glu48Gly; replaces glutamic acid 48 with glycine.
Molecular consequence: missense variant. On other transcripts: 5 prime UTR variant (2).
Genome position (GRCh38, 1-based): chr2:127,293,604, T>C on the plus strand (A>G on the coding strand, the complement: ERCC3 is on the minus strand). VCF-style: chr2-127293604-T-C. GRCh37 (hg19) VCF-style: chr2-128051180-T-C.
Other names: c.-50A>G (NM_001303416.2, NM_001303418.2); short protein forms E48G.
Identifiers: ClinVar variation 1524994 (VCV001524994.4), dbSNP rs769971648, ClinGen allele CA1858612.

ClinVar aggregate classification (germline): Uncertain significance. Review status: criteria provided, multiple submitters, no conflicts (2 of 4 stars). 2 submissions from 2 submitters: Uncertain significance (2). Last evaluated 2022-09-13.

Conditions:
Xeroderma pigmentosum (XP). Identifiers: Orphanet 910, MedGen C0043346, MONDO:0019600.

Allele frequency attached by ClinVar (database versions not stated): gnomAD exomes 0.00001 and 0.00004; TOPMed 0.00001; ExAC 0.00002.
gnomAD v4.1: 12 of 1,614,202 alleles (0.00074%); highest among the groups gnomAD compares: Admixed American, 0.013%; no homozygotes.

Submissions (2):

Labcorp Genetics (formerly Invitae), Labcorp
Classification: Uncertain significance. Last evaluated: 2022-09-13. Review status: criteria provided, single submitter. Criteria: Invitae Variant Classification Sherloc (09022015). Collection method: clinical testing. Allele origin: germline.
Comment: This sequence change replaces glutamic acid, which is acidic and polar, with glycine, which is neutral and non-polar, at codon 48 of the ERCC3 protein (p.Glu48Gly). This variant is present in population databases (rs769971648, gnomAD 0.03%). This variant has not been reported in the literature in individuals affected with ERCC3-related conditions. ClinVar contains an entry for this variant (Variation ID: 1524994). Advanced modeling of protein sequence and biophysical properties (such as structural, functional, and spatial information, amino acid conservation, physicochemical variation, residue mobility, and thermodynamic stability) performed at Invitae indicates that this missense variant is not expected to disrupt ERCC3 protein function. In summary, the available evidence is currently insufficient to determine the role of this variant in disease. Therefore, it has been classified as a Variant of Uncertain Significance.

Sema4
Classification: Uncertain significance for Xeroderma pigmentosum. Last evaluated: 2022-01-21. Review status: criteria provided, single submitter. Criteria: Sema4 Curation Guidelines. Collection method: curation. Allele origin: germline.
Comment: To the best of our knowledge, the ERCC3 c.143A>G (p.E48G) variant has not been reported in individuals with ERCC3-related disease. It was observed in 9/34588 chromosomes of the Latino/Admixed American subpopulation, with no homozygotes, in the large and broad cohorts of the Genome Aggregation Database (PMID: 32461654). The variant has not been reported in ClinVar. In silico tools suggest the impact of the variant on protein function is benign, though these predictions have not been confirmed by functional studies. The evidence is insufficient to meet ACMG/AMP criteria for classifying the variant as benign or pathogenic. Thus, the clinical significance of this variant is currently uncertain.